The following is an entry in ClinVar:

ClinVar aggregate classification (germline): Uncertain significance (1 of 4 stars; one submission).

Conditions:
Primary ciliary dyskinesia. Also called: Ciliary dyskinesia. Identifiers: Orphanet 244, MedGen C0008780, MONDO:0016575, HP:0012265.

Submission:

Labcorp Genetics (formerly Invitae), Labcorp
Classification: Uncertain significance for Primary ciliary dyskinesia. Last evaluated: 2025-07-09. Review status: criteria provided, single submitter. Criteria: Invitae Variant Classification Sherloc (09022015). Collection method: clinical testing. Allele origin: germline.
Comment: This sequence change replaces alanine, which is neutral and non-polar, with valine, which is neutral and non-polar, at codon 2492 of the DNAH5 protein (p.Ala2492Val). Information on the frequency of this variant in the gnomAD database is not available, as this variant may be reported differently in the database. This variant has not been reported in the literature in individuals affected with DNAH5-related conditions. An algorithm developed to predict the effect of missense changes on protein structure and function (PolyPhen-2) suggests that this variant is likely to be tolerated. In summary, the available evidence is currently insufficient to determine the role of this variant in disease. Therefore, it has been classified as a Variant of Uncertain Significance.

NM_001369.3(DNAH5):c.7475_7476delinsTT (p.Ala2492Val)

Gene: DNAH5 (dynein axonemal heavy chain 5; minus strand). Cytogenetic location: 5p15.2.
Variant type: Indel.
Coding change: c.7475_7476delinsTT on transcript NM_001369.3 (MANE Select); coding-DNA positions 7475 to 7476, CG replaced by TT.
Protein change: p.Ala2492Val; replaces alanine 2492 with valine.
Molecular consequence: missense variant.
Genome position (GRCh38, 1-based): chr5:13,810,192-13,810,193, CG replaced by AA on the plus strand (CG replaced by TT on the coding strand, the reverse complement: DNAH5 is on the minus strand). VCF-style: chr5-13810192-CG-AA. GRCh37 (hg19) VCF-style: chr5-13810301-CG-AA.
Other names: short protein forms A2492V.
Identifiers: ClinVar variation 4754107 (VCV004754107.1).